The following is an entry in ClinVar:

ClinVar aggregate classification (germline): Uncertain significance. Review status: criteria provided, multiple submitters, no conflicts (2 of 4 stars). 2 submissions from 2 submitters: Uncertain significance (2). Last evaluated 2025-05-23.

Conditions:
DICER1-related tumor predisposition. Also called: DICER1 syndrome; DICER1-related pleuropulmonary blastoma cancer predisposition syndrome. Identifiers: Orphanet 284343, MedGen C3839822, MONDO:0100216.
Hereditary cancer-predisposing syndrome. Also called: Hereditary Cancer Syndrome; Hereditary neoplastic syndrome; Tumor predisposition; Neoplastic Syndromes, Hereditary. Identifiers: Orphanet 140162, MedGen C0027672, MeSH D009386, MONDO:0015356.

Allele frequency attached by ClinVar (database versions not stated): gnomAD exomes below 0.00001.

Submissions (2):

Ambry Genetics
Classification: Uncertain significance for Hereditary cancer-predisposing syndrome. Last evaluated: 2025-05-23. Review status: criteria provided, single submitter. Criteria: Ambry Variant Classification Scheme 2023. Collection method: clinical testing. Allele origin: germline.
Comment: The p.M1369V variant (also known as c.4105A>G), located in coding exon 21 of the DICER1 gene, results from an A to G substitution at nucleotide position 4105. The methionine at codon 1369 is replaced by valine, an amino acid with highly similar properties. This amino acid position is conserved. In addition, this alteration is predicted to be deleterious by in silico analysis. Based on the available evidence, the clinical significance of this variant remains unclear.

Labcorp Genetics (formerly Invitae), Labcorp
Classification: Uncertain significance for DICER1-related tumor predisposition. Last evaluated: 2021-08-26. Review status: criteria provided, single submitter. Criteria: Invitae Variant Classification Sherloc (09022015). Collection method: clinical testing. Allele origin: germline.
Comment: This variant is not present in population databases (ExAC no frequency). In summary, the available evidence is currently insufficient to determine the role of this variant in disease. Therefore, it has been classified as a Variant of Uncertain Significance. Algorithms developed to predict the effect of missense changes on protein structure and function are either unavailable or do not agree on the potential impact of this missense change (SIFT: "Tolerated"; PolyPhen-2: "Probably Damaging"; Align-GVGD: "Class C0"). This variant has not been reported in the literature in individuals with DICER1-related conditions. This sequence change replaces methionine with valine at codon 1369 of the DICER1 protein (p.Met1369Val). The methionine residue is highly conserved and there is a small physicochemical difference between methionine and valine.

NM_177438.3(DICER1):c.4105A>G (p.Met1369Val)

Gene: DICER1 (dicer 1, ribonuclease III; minus strand). Cytogenetic location: 14q32.13.
Variant type: single nucleotide variant.
Coding change: c.4105A>G on transcript NM_177438.3 (MANE Select); coding-DNA position 4105, A replaced by G.
Protein change: p.Met1369Val; replaces methionine 1369 with valine.
Molecular consequence: missense variant.
Genome position (GRCh38, 1-based): chr14:95,099,881, T>C on the plus strand (A>G on the coding strand, the complement: DICER1 is on the minus strand). VCF-style: chr14-95099881-T-C. GRCh37 (hg19) VCF-style: chr14-95566218-T-C.
Other names: c.4105A>G, p.Met1369Val (NM_001195573.1, NM_001271282.3, NM_001291628.2 and 1 more transcripts); c.4105A>G (NM_177438.2); short protein forms M1369V.
Identifiers: ClinVar variation 1356368 (VCV001356368.10), dbSNP rs1595353531, ClinGen allele CA390872116.
Genomic context (GRCh38, chr14:95,099,881, plus strand): 5'-GATTTACTACATAACCAGGAGGAAGCCAATTCACAGGGGGATCAAATATTGACACCACCA[T>C]GCGGCTGGGTAGTCCCTTCTTTTTTCCAAGGCGATACAGATTACAGTTGCTGACCTTTAG-3'
Protein context (NP_803187.1, residues 1359-1379): LGKKKGLPSR[Met1369Val]VVSIFDPPVN